The following is an entry in ClinVar:

NM_004628.5(XPC):c.352A>G (p.Met118Val)

Gene: XPC (XPC complex subunit, DNA damage recognition and repair factor; minus strand). Cytogenetic location: 3p25.1.
Variant type: single nucleotide variant.
Coding change: c.352A>G on transcript NM_004628.5 (MANE Select); coding-DNA position 352, A replaced by G.
Protein change: p.Met118Val; replaces methionine 118 with valine.
Molecular consequence: missense variant. On other transcripts: 5 prime UTR variant (1), non-coding transcript variant (2).
Genome position (GRCh38, 1-based): chr3:14,170,498, T>C on the plus strand (A>G on the coding strand, the complement: XPC is on the minus strand). VCF-style: chr3-14170498-T-C. GRCh37 (hg19) VCF-style: chr3-14211998-T-C.
Other names: c.-104A>G (NM_001354726.2); c.352A>G, p.Met118Val (NM_001354727.2, NM_001354730.2); c.334A>G, p.Met112Val (NM_001354729.2); short protein forms M112V, M118V.
Identifiers: ClinVar variation 1692829 (VCV001692829.3), dbSNP rs967577305, ClinGen allele CA69762847.

ClinVar aggregate classification (germline): Conflicting classifications of pathogenicity. Review status: criteria provided, conflicting classifications (1 of 4 stars). 2 submissions from 2 submitters: Uncertain significance (1); Likely benign (1). Last evaluated 2023-05-24.

Conditions:
Inborn genetic diseases. Identifiers: MedGen C0950123, MeSH D030342.
Xeroderma pigmentosum (XP). Identifiers: Orphanet 910, MedGen C0043346, MONDO:0019600.

Allele frequency attached by ClinVar (database versions not stated): gnomAD 0.00003 and 0.00002; TOPMed 0.00004; gnomAD exomes 0.00001 and 0.00002.

Submissions (2):

Ambry Genetics
Classification: Likely benign for Inborn genetic diseases. Last evaluated: 2023-05-24. Review status: criteria provided, single submitter. Criteria: Ambry Variant Classification Scheme 2023. Collection method: clinical testing. Allele origin: germline.

Sema4
Classification: Uncertain significance for Xeroderma pigmentosum. Last evaluated: 2021-09-18. Review status: criteria provided, single submitter. Criteria: Sema4 Curation Guidelines. Collection method: curation. Allele origin: germline.
Comment: The XPC c.352A>G (p.M118V) variant has not been reported in the literature to our knowledge. It was observed in 4/112982 chromosomes of the European (non-Finnish) subpopulation in the large and broad cohorts of the Genome Aggregation Database (PMID: 32461654), but has not been reported in ClinVar. In silico tools suggest the impact of the variant on protein function is benign, though these predictions have not been confirmed by functional studies. The evidence is insufficient to meet ACMG/AMP criteria for classifying the variant as benign or pathogenic. Thus, the clinical significance of this variant is currently uncertain.